The following is an entry in ClinVar:

ClinVar aggregate classification (germline): Benign/Likely benign. Review status: criteria provided, multiple submitters, no conflicts (2 of 4 stars). 3 submissions from 3 submitters: Benign (1); Likely benign (1). 1 of the submissions does not count toward it. Last evaluated 2024-11-22.

Conditions:
SOX10-related disorder. Also called: SOX10-related condition.

Allele frequency attached by ClinVar (database versions not stated): gnomAD exomes 0.00016; 1000 Genomes Project 0.00020; gnomAD 0.00059 and 0.00051; ESP Exome Variant Server 0.00038; 1000 Genomes Project 30x 0.00016; ExAC 0.00032.
gnomAD v4.1: 175 of 1,534,662 alleles (0.011%); highest among the groups gnomAD compares: African/African-American, 0.17%; no homozygotes.

Submissions (3):

Labcorp Genetics (formerly Invitae), Labcorp
Classification: Benign. Last evaluated: 2024-11-22. Review status: criteria provided, single submitter. Criteria: Invitae Variant Classification Sherloc (09022015). Collection method: clinical testing. Allele origin: germline.

GeneDx
Classification: Likely benign. Last evaluated: 2020-09-21. Review status: criteria provided, single submitter. Criteria: GeneDx Variant Classification Process June 2021. Collection method: clinical testing. Allele origin: germline. Affected: yes.

PreventionGenetics, part of Exact Sciences
Classification: Likely benign for SOX10-related condition. Last evaluated: 2019-08-01. Review status: no assertion criteria provided. Collection method: clinical testing. Allele origin: germline. Not counted in ClinVar's aggregate classification.
Comment: This variant is classified as likely benign based on ACMG/AMP sequence variant interpretation guidelines (Richards et al. 2015 PMID: 25741868, with internal and published modifications).

NM_006941.4(SOX10):c.429-19G>A

Genes: POLR2F (RNA polymerase II, I and III subunit F; plus strand), SOX10 (SRY-box transcription factor 10; minus strand). Cytogenetic location: 22q13.1.
Variant type: single nucleotide variant.
Coding change: c.429-19G>A on transcript NM_006941.4 (MANE Select); 19 bases into the intron before coding-DNA position 429, G replaced by A.
Molecular consequence: intron variant.
Genome position (GRCh38, 1-based): chr22:37,978,154, C>T on the plus strand (G>A on the coding strand, the complement: SOX10 is on the minus strand). VCF-style: chr22-37978154-C-T. GRCh37 (hg19) VCF-style: chr22-38374161-C-T.
Other names: c.*38+5844C>T (NM_001363825.1); c.294-8000C>T (NM_001301130.2); c.293+10984C>T (NM_001301131.2).
Identifiers: ClinVar variation 1189414 (VCV001189414.12), dbSNP rs374481457, ClinGen allele CA10228673.
Genomic context (GRCh38, chr22:37,978,154, plus strand): 5'-GCCTCCTCGATGAAGGGGCGCTTGTCACTTTCGTTCAGCAGCCTGGGGTGTGGTGGGAGG[C>T]GGAGAGGACAGCAGAGGGGCTGGCGTGAATGCCAGAGCACTCCAGGTTGGCCTCCCTCTG-3'